The following is an entry in ClinVar:

NM_018699.4(PRDM5):c.1728+18del

Gene: PRDM5 (PR/SET domain 5; minus strand). Cytogenetic location: 4q27.
Variant type: Deletion.
Coding change: c.1728+18del on transcript NM_018699.4 (MANE Select); 18 bases into the intron after coding-DNA position 1728, one base deleted (T; older notation c.1728+18delT).
Molecular consequence: intron variant.
Genome position (GRCh38, 1-based): chr4:120,710,291, A deleted on the plus strand (T on the coding strand, the reverse complement: PRDM5 is on the minus strand); the first of 7 consecutive A bases (chr4:120,710,291-120,710,297); deleting any one gives the same sequence. VCF-style (leftmost placement, unchanged base first): chr4-120710290-GA-G. GRCh37 (hg19) VCF-style: chr4-121631445-GA-G.
Other names: c.1728+18delT (NM_018699.4); c.*43+18del (NM_001300824.2); c.1531-15016del (NM_001379106.1); c.1635+18del (NM_001300823.2); c.1761+18del (NM_001379104.1).
Identifiers: ClinVar variation 2993006 (VCV002993006.4), dbSNP rs770737888, ClinGen allele CA3060963.
Genomic context (GRCh38, chr4:120,710,290, plus strand): 5'-CACACACACATACACACACACACACACCCCTACTTTCTGTTATTGGAAGACACTATGGGG[GA>G]AAAAAATCCAAACTCACATCACACTGAAAAGGCTTTTCTCCAGTGTGCGTCCTCTTGTGC-3'

ClinVar aggregate classification (germline): Benign/Likely benign. Review status: criteria provided, multiple submitters, no conflicts (2 of 4 stars). 2 submissions from 2 submitters: Benign (1); Likely benign (1). Last evaluated 2026-02-12.

Submissions (2):

Women's Health and Genetics/Laboratory Corporation of America, LabCorp
Classification: Likely benign. Last evaluated: 2026-02-12. Review status: criteria provided, single submitter. Criteria: LabCorp Variant Classification Summary - May 2015. Collection method: clinical testing. Allele origin: germline.
Comment: Variant summary: PRDM5 c.1728+18delT alters a nucleotide located at a position not widely known to affect splicing. Consensus agreement among computation tools predict no significant impact on normal splicing. However, these predictions have yet to be confirmed by functional studies. The variant allele was found at a frequency of 5.2e-05 in 248364 control chromosomes. This frequency is not significantly higher than estimated for disease-causing variants in PRDM5, allowing no conclusion about variant significance. To our knowledge, no occurrence of c.1728+18delT in individuals affected with PRDM5-related conditions and no experimental evidence demonstrating its impact on protein function have been reported. ClinVar contains an entry for this variant (Variation ID: 2993006). Based on the evidence outlined above, the variant was classified as likely benign.

Labcorp Genetics (formerly Invitae), Labcorp
Classification: Benign. Last evaluated: 2026-01-27. Review status: criteria provided, single submitter. Criteria: Invitae Variant Classification Sherloc (09022015). Collection method: clinical testing. Allele origin: germline.